The following is an entry in ClinVar:

ClinVar aggregate classification (germline): Uncertain significance (1 of 4 stars; one submission).

gnomAD v4.1: 2 of 1,609,974 alleles (0.00012%); highest among the groups gnomAD compares: African/African-American, 0.0013%; no homozygotes.

Submission:

Labcorp Genetics (formerly Invitae), Labcorp
Classification: Uncertain significance. Last evaluated: 2020-11-03. Review status: criteria provided, single submitter. Criteria: Invitae Variant Classification Sherloc (09022015). Collection method: clinical testing. Allele origin: germline.
Comment: This variant is not present in population databases (ExAC no frequency). This sequence change replaces isoleucine with methionine at codon 282 of the NEDD4L protein (p.Ile282Met). The isoleucine residue is weakly conserved and there is a small physicochemical difference between isoleucine and methionine. In summary, the available evidence is currently insufficient to determine the role of this variant in disease. Therefore, it has been classified as a Variant of Uncertain Significance. Algorithms developed to predict the effect of missense changes on protein structure and function output the following: SIFT: "Tolerated"; PolyPhen-2: "Benign"; Align-GVGD: "Class C0". The methionine amino acid residue is found in multiple mammalian species, suggesting that this missense change does not adversely affect protein function. These predictions have not been confirmed by published functional studies and their clinical significance is uncertain. This variant has not been reported in the literature in individuals with NEDD4L-related conditions.

NM_001144967.3(NEDD4L):c.846C>G (p.Ile282Met)

Gene: NEDD4L (NEDD4 like E3 ubiquitin protein ligase; plus strand). Cytogenetic location: 18q21.31.
Variant type: single nucleotide variant.
Coding change: c.846C>G on transcript NM_001144967.3 (MANE Select); coding-DNA position 846, C replaced by G.
Protein change: p.Ile282Met; replaces isoleucine 282 with methionine.
Molecular consequence: missense variant.
Genome position (GRCh38, 1-based): chr18:58,330,770, C>G. VCF-style: chr18-58330770-C-G. GRCh37 (hg19) VCF-style: chr18-55998002-C-G.
Other names: c.483C>G, p.Ile161Met (NM_001144964.1, NM_001144965.2, NM_001144966.3 and 2 more transcripts); c.822C>G, p.Ile274Met (NM_001144968.2, NM_001144969.2); c.846C>G, p.Ile282Met (NM_001243960.2, NM_015277.6); short protein forms I274M, I161M, I282M.
Identifiers: ClinVar variation 1466015 (VCV001466015.8), dbSNP rs1416521342, ClinGen allele CA402555442.